The following is an entry in ClinVar:

ClinVar aggregate classification (germline): Uncertain significance (1 of 4 stars; one submission).

Conditions:
Developmental and epileptic encephalopathy, 54. Also called: HNRNPU-Related Neurodevelopmental Disorder; Epileptic encephalopathy, early infantile, 54. Identifiers: MedGen C4479319, MONDO:0033363, OMIM 617391.

Submission:

Labcorp Genetics (formerly Invitae), Labcorp
Classification: Uncertain significance for Developmental and epileptic encephalopathy, 54. Last evaluated: 2025-03-16. Review status: criteria provided, single submitter. Criteria: Invitae Variant Classification Sherloc (09022015). Collection method: clinical testing. Allele origin: germline.
Comment: This sequence change replaces alanine, which is neutral and non-polar, with glycine, which is neutral and non-polar, at codon 113 of the HNRNPU protein (p.Ala113Gly). This variant is not present in population databases (gnomAD no frequency). This variant has not been reported in the literature in individuals affected with HNRNPU-related conditions. Invitae Evidence Modeling of protein sequence and biophysical properties (such as structural, functional, and spatial information, amino acid conservation, physicochemical variation, residue mobility, and thermodynamic stability) indicates that this missense variant is not expected to disrupt HNRNPU protein function with a negative predictive value of 95%. In summary, the available evidence is currently insufficient to determine the role of this variant in disease. Therefore, it has been classified as a Variant of Uncertain Significance.

NM_031844.3(HNRNPU):c.338C>G (p.Ala113Gly)

Gene: HNRNPU (heterogeneous nuclear ribonucleoprotein U; minus strand). Cytogenetic location: 1q44.
Variant type: single nucleotide variant.
Coding change: c.338C>G on transcript NM_031844.3 (MANE Select); coding-DNA position 338, C replaced by G.
Protein change: p.Ala113Gly; replaces alanine 113 with glycine.
Molecular consequence: missense variant.
Genome position (GRCh38, 1-based): chr1:244,863,970, G>C on the plus strand (C>G on the coding strand, the complement: HNRNPU is on the minus strand). VCF-style: chr1-244863970-G-C. GRCh37 (hg19) VCF-style: chr1-245027272-G-C.
Other names: c.338C>G, p.Ala113Gly (NM_004501.3); short protein forms A113G.
Identifiers: ClinVar variation 4709700 (VCV004709700.1).